The following is an entry in ClinVar:

NM_000533.5(PLP1):c.40G>A (p.Ala14Thr)

Genes: PLP1 (proteolipid protein 1; plus strand), RAB9B (RAB9B, member RAS oncogene family; minus strand). Cytogenetic location: Xq22.2.
Variant type: single nucleotide variant.
Coding change: c.40G>A on transcript NM_000533.5 (MANE Select); coding-DNA position 40, G replaced by A.
Protein change: p.Ala14Thr; replaces alanine 14 with threonine.
Molecular consequence: missense variant. On other transcripts: intron variant (1).
Genome position (GRCh38, 1-based): chrX:103,785,617, G>A. VCF-style: chrX-103785617-G-A. GRCh37 (hg19) VCF-style: chrX-103040546-G-A.
Other names: p.Ala14Thr; c.40G>A, p.Ala14Thr (NM_001128834.3, NM_199478.3); c.5-130G>A (NM_001305004.1); short protein forms A14T.
Identifiers: ClinVar variation 4542491 (VCV004542491.1).

ClinVar aggregate classification (germline): Uncertain significance (1 of 4 stars; one submission).

Submission:

Mayo Clinic Laboratories, Mayo Clinic
Classification: Uncertain significance. Last evaluated: 2025-05-06. Review status: criteria provided, single submitter. Criteria: ACMG Guidelines, 2015. Collection method: clinical testing. Allele origin: germline. Observed: 1 variant allele.
Comment: PM2_supporting